The following is an entry in ClinVar:

ClinVar aggregate classification (germline): Uncertain significance (1 of 4 stars; one submission).

Submission:

Labcorp Genetics (formerly Invitae), Labcorp
Classification: Uncertain significance. Last evaluated: 2022-08-31. Review status: criteria provided, single submitter. Criteria: Invitae Variant Classification Sherloc (09022015). Collection method: clinical testing. Allele origin: germline.
Comment: In summary, the available evidence is currently insufficient to determine the role of this variant in disease. Therefore, it has been classified as a Variant of Uncertain Significance. Algorithms developed to predict the effect of missense changes on protein structure and function are either unavailable or do not agree on the potential impact of this missense change (SIFT: "Deleterious"; PolyPhen-2: "Benign"; Align-GVGD: "Class C0"). This variant has not been reported in the literature in individuals affected with TSPAN12-related conditions. This variant is present in population databases (rs569301160, gnomAD 0.0009%). This sequence change replaces leucine, which is neutral and non-polar, with histidine, which is basic and polar, at codon 119 of the TSPAN12 protein (p.Leu119His).

NM_012338.4(TSPAN12):c.356T>A (p.Leu119His)

Gene: TSPAN12 (tetraspanin 12; minus strand). Cytogenetic location: 7q31.31.
Variant type: single nucleotide variant.
Coding change: c.356T>A on transcript NM_012338.4 (MANE Select); coding-DNA position 356, T replaced by A.
Protein change: p.Leu119His; replaces leucine 119 with histidine.
Molecular consequence: missense variant.
Genome position (GRCh38, 1-based): chr7:120,815,733, A>T on the plus strand (T>A on the coding strand, the complement: TSPAN12 is on the minus strand). VCF-style: chr7-120815733-A-T. GRCh37 (hg19) VCF-style: chr7-120455787-A-T.
Other names: short protein forms L119H.
Identifiers: ClinVar variation 2014070 (VCV002014070.4), dbSNP rs569301160, ClinGen allele CA4453937.